The following is an entry in ClinVar:

NM_138694.4(PKHD1):c.333C>T (p.Phe111=)

Gene: PKHD1 (PKHD1 ciliary IPT domain containing fibrocystin/polyductin; minus strand). Cytogenetic location: 6p12.2.
Variant type: single nucleotide variant.
Coding change: c.333C>T on transcript NM_138694.4 (MANE Select); coding-DNA position 333, C replaced by T.
Protein change: p.Phe111=; no amino-acid change (phenylalanine 111 retained).
Molecular consequence: synonymous variant.
Genome position (GRCh38, 1-based): chr6:52,079,957, G>A on the plus strand (C>T on the coding strand, the complement: PKHD1 is on the minus strand). VCF-style: chr6-52079957-G-A. GRCh37 (hg19) VCF-style: chr6-51944755-G-A.
Other names: c.333C>T, p.Phe111= (NM_170724.3).
Identifiers: ClinVar variation 500501 (VCV000500501.43), dbSNP rs145815264, ClinGen allele CA3853964.
Genomic context (GRCh38, chr6:52,079,957, plus strand): 5'-CACCTTGAAAGTACAGCTATCTCGTGGTCCTGGATTTGGACTGCTTACCAGCTGTCCCCC[G>A]AAGTATGCTTCCAGGAAGTACAGACCCTCATGTGCTTCAGACAGCACAGATCTGAGGACA-3'
Protein context (NP_619639.3, residues 101-121): HEGLYFLEAY[Phe111=]GGQLVSSPNP

ClinVar aggregate classification (germline): Conflicting classifications of pathogenicity. Review status: criteria provided, conflicting classifications (1 of 4 stars). 5 submissions from 5 submitters: Uncertain significance (1); Benign (1); Likely benign (2). 1 of the submissions does not count toward it. Last evaluated 2025-12-28.

Conditions:
Autosomal recessive polycystic kidney disease (ARPKD). Also called: AR polycystic kidney disease. Identifiers: Orphanet 731, Orphanet 8378, MedGen C0085548, MeSH D017044, MONDO:0009889.
PKHD1-related disorder. Also called: PKHD1-related condition.

Allele frequency attached by ClinVar (database versions not stated): gnomAD exomes 0.00004 and 0.00007; ExAC 0.00009; 1000 Genomes Project 30x 0.00016; 1000 Genomes Project 0.00020; gnomAD 0.00032 and 0.00036; ESP Exome Variant Server 0.00038; TOPMed 0.00039.
gnomAD v4.1: 113 of 1,612,206 alleles (0.007%); highest among the groups gnomAD compares: African/African-American, 0.13%; 1 homozygote.

Submissions (5):

Labcorp Genetics (formerly Invitae), Labcorp
Classification: Benign for Autosomal recessive polycystic kidney disease. Last evaluated: 2025-12-28. Review status: criteria provided, single submitter. Criteria: Invitae Variant Classification Sherloc (09022015). Collection method: clinical testing. Allele origin: germline.

PreventionGenetics, part of Exact Sciences
Classification: Likely benign for PKHD1-related condition. Last evaluated: 2024-11-20. Review status: criteria provided, single submitter. Criteria: ACMG Guidelines, 2015. Collection method: clinical testing. Allele origin: germline.
Comment: This variant is classified as likely benign based on ACMG/AMP sequence variant interpretation guidelines (Richards et al. 2015 PMID: 25741868, with internal and published modifications).

CeGaT Center for Human Genetics Tuebingen
Classification: Likely benign. Last evaluated: 2024-02-01. Review status: criteria provided, single submitter. Criteria: CeGaT Center For Human Genetics Tuebingen Variant Classification Criteria Version 2. Collection method: clinical testing. Allele origin: germline. Affected: yes. Observed: 1 variant allele.
Comment: PKHD1: BP4, BP7

Eurofins Ntd Llc (ga)
Classification: Uncertain significance. Last evaluated: 2017-09-08. Review status: criteria provided, single submitter. Criteria: EGL Classification Definitions 2015. Collection method: clinical testing. Allele origin: germline. Observed: 3 variant alleles, 3 heterozygotes.

Natera, Inc.
Classification: Likely benign for Autosomal recessive polycystic kidney disease. Last evaluated: 2018-07-03. Review status: no assertion criteria provided. Collection method: clinical testing. Allele origin: germline. Not counted in ClinVar's aggregate classification.